The following is an entry in ClinVar:

NM_000414.4(HSD17B4):c.2179C>A (p.Gln727Lys)

Gene: HSD17B4 (hydroxysteroid 17-beta dehydrogenase 4; plus strand). Cytogenetic location: 5q23.1.
Variant type: single nucleotide variant.
Coding change: c.2179C>A on transcript NM_000414.4 (MANE Select); coding-DNA position 2179, C replaced by A.
Protein change: p.Gln727Lys; replaces glutamine 727 with lysine.
Molecular consequence: missense variant. On other transcripts: non-coding transcript variant (2).
Genome position (GRCh38, 1-based): chr5:119,541,962, C>A. VCF-style: chr5-119541962-C-A. GRCh37 (hg19) VCF-style: chr5-118877657-C-A.
Other names: c.2254C>A, p.Gln752Lys (NM_001199291.3); c.2125C>A, p.Gln709Lys (NM_001199292.2); c.2107C>A, p.Gln703Lys (NM_001292027.2, NM_001374498.1); c.1759C>A, p.Gln587Lys (NM_001292028.2); c.2170C>A, p.Gln724Lys (NM_001374497.1); c.1852C>A, p.Gln618Lys (NM_001374499.1); c.1738C>A, p.Gln580Lys (NM_001374500.1); c.1768C>A, p.Gln590Lys (NM_001374501.1, NM_001374502.1, NM_001374503.1); short protein forms Q618K, Q724K, Q580K, Q709K, Q587K, Q703K, Q727K, Q590K.
Identifiers: ClinVar variation 4988653 (VCV004988653.1).
Genomic context (GRCh38, chr5:119,541,962, plus strand): 5'-CAGGCATTCTTTAGTGGCAGGCTGAAGGCCAGAGGGAACATCATGCTGAGCCAGAAACTT[C>A]AGATGATTCTTAAAGACTACGCCAAGCTCTGAAGGGCACACTACACTATTAATAAAAATG-3'
Protein context (NP_000405.1, residues 717-736): RGNIMLSQKL[Gln727Lys]MILKDYAKL

ClinVar aggregate classification (germline): Uncertain significance (1 of 4 stars; one submission).

Conditions:
HSD17B4-related disorder. Also called: HSD17B4-related disorders; HSD17B4-related condition.

gnomAD v4.1: 5 of 1,612,970 alleles (0.00031%); highest among the groups gnomAD compares: Non-Finnish European, 0.00042%; no homozygotes.

Submission:

PreventionGenetics, part of Exact Sciences
Classification: Uncertain significance for HSD17B4-related condition. Last evaluated: 2026-05-11. Review status: criteria provided, single submitter. Criteria: ACMG Guidelines, 2015. Collection method: clinical testing. Allele origin: germline.
Comment: The HSD17B4 c.2179C>A variant is predicted to result in the amino acid substitution p.Gln727Lys. To our knowledge, this variant has not been reported in the literature or in a large population database (gnomAD), indicating this variant is rare. At this time, the clinical significance of this variant is uncertain due to the absence of conclusive functional and genetic evidence.